The following is an entry in ClinVar:

ClinVar aggregate classification (germline): Pathogenic. Review status: criteria provided, multiple submitters, no conflicts (2 of 4 stars). 4 submissions from 4 submitters: Pathogenic (4). Last evaluated 2025-08-16.

Conditions:
CSPP1-related disorder. Also called: CSPP1-related condition.
Joubert syndrome 21 (JBTS21). Identifiers: MedGen C3810212, MONDO:0014288, OMIM 615636.

Allele frequency attached by ClinVar (database versions not stated): gnomAD exomes below 0.00001.
gnomAD v4.1: 3 of 1,513,042 alleles (0.0002%); highest among the groups gnomAD compares: Non-Finnish European, 0.00027%; no homozygotes.

Submissions (4):

Labcorp Genetics (formerly Invitae), Labcorp
Classification: Pathogenic for Joubert syndrome 21. Last evaluated: 2025-08-16. Review status: criteria provided, single submitter. Criteria: Invitae Variant Classification Sherloc (09022015). Collection method: clinical testing. Allele origin: germline.
Comment: This sequence change affects a donor splice site in intron 6 of the CSPP1 gene. It is expected to disrupt RNA splicing. Variants that disrupt the donor or acceptor splice site typically lead to a loss of protein function (PMID: 16199547), and loss-of-function variants in CSPP1 are known to be pathogenic (PMID: 24360807, 24360808). This variant is not present in population databases (gnomAD no frequency). Disruption of this splice site has been observed in individual(s) with Joubert syndrome (PMID: 24360808). In at least one individual the data is consistent with being in trans (on the opposite chromosome) from a pathogenic variant. ClinVar contains an entry for this variant (Variation ID: 217649). Algorithms developed to predict the effect of sequence changes on RNA splicing suggest that this variant may disrupt the consensus splice site. For these reasons, this variant has been classified as Pathogenic.

GeneDx
Classification: Pathogenic. Last evaluated: 2022-02-28. Review status: criteria provided, single submitter. Criteria: GeneDx Variant Classification Process June 2021. Collection method: clinical testing. Allele origin: germline. Affected: yes.
Comment: Canonical splice site variant predicted to result in a null allele in a gene for which loss-of-function is a known mechanism of disease; Not observed at significant frequency in large population cohorts (gnomAD); This variant is associated with the following publications: (PMID: 24360808, 26092869, 24360807)

Blueprint Genetics
Classification: Pathogenic for CSPP1-related disorders. Last evaluated: 2019-01-24. Review status: criteria provided, single submitter. Criteria: ACMG Guidelines, 2015. Collection method: clinical testing. Allele origin: germline. Affected: yes. Observed: 1 variant allele.

UW Hindbrain Malformation Research Program, University of Washington
Classification: Pathogenic for Joubert syndrome 21. Last evaluated: 2015-02-23. Review status: criteria provided, single submitter. Criteria: Bachmann-Gagescu et al. (J Med Genet. 2015). Collection method: research. Allele origin: unknown. Affected: yes.

Literature cited by the submitters: PubMed 16199547 (cited by Labcorp Genetics (formerly Invitae), Labcorp); PubMed 24360807 (cited by Labcorp Genetics (formerly Invitae), Labcorp); PubMed 24360808 (cited by Labcorp Genetics (formerly Invitae), Labcorp).

NM_001382391.1(CSPP1):c.923+1G>C

Gene: CSPP1 (centrosome and spindle pole associated protein 1; plus strand). Cytogenetic location: 8q13.1.
Variant type: single nucleotide variant.
Coding change: c.923+1G>C on transcript NM_001382391.1 (MANE Select); the canonical splice donor site of the intron after coding-DNA position 923, G replaced by C.
Molecular consequence: splice donor variant.
Genome position (GRCh38, 1-based): chr8:67,095,733, G>C. VCF-style: chr8-67095733-G-C. GRCh37 (hg19) VCF-style: chr8-68007968-G-C.
Other names: c.923+1G>C (NM_001363132.2); c.842+1G>C (NM_001363131.2, NM_001363133.2); c.1031+1G>C (NM_001364869.1); c.950+1G>C (NM_024790.7, NM_001438331.1, NM_001438330.1 and 2 more transcripts); c.68+1G>C (NM_001291339.2).
Identifiers: ClinVar variation 217649 (VCV000217649.8), dbSNP rs863225194, ClinGen allele CA279386.